The following is an entry in ClinVar:

ClinVar aggregate classification (germline): Benign (1 of 4 stars; one submission).

gnomAD v4.1: 923 of 152,324 alleles (0.61%); highest among the groups gnomAD compares: East Asian, 1.1%; 6 homozygotes.

Submission:

CeGaT Center for Human Genetics Tuebingen
Classification: Benign. Last evaluated: 2026-09-01. Review status: criteria provided, single submitter. Criteria: CeGaT Center For Human Genetics Tuebingen Variant Classification Criteria Version 2. Collection method: clinical testing. Allele origin: germline. Affected: yes. Observed: 16 variant alleles.
Comment: ATM: BS1, BS2

NM_000051.4(ATM):c.4437-279T>C

Gene: ATM (ATM serine/threonine kinase; plus strand). Cytogenetic location: 11q22.3.
Variant type: single nucleotide variant.
Coding change: c.4437-279T>C on transcript NM_000051.4 (MANE Select); 279 bases into the intron before coding-DNA position 4437, T replaced by C.
Molecular consequence: intron variant.
Genome position (GRCh38, 1-based): chr11:108,292,340, T>C. VCF-style: chr11-108292340-T-C. GRCh37 (hg19) VCF-style: chr11-108163067-T-C.
Other names: c.4437-279T>C (NM_001351834.2).
Identifiers: ClinVar variation 4085041 (VCV004085041.8).